The following is an entry in ClinVar:

ClinVar aggregate classification (germline): Uncertain significance (1 of 4 stars; one submission).

Submission:

Ambry Genetics
Classification: Uncertain significance. Last evaluated: 2025-04-19. Review status: criteria provided, single submitter. Criteria: Ambry Variant Classification Scheme 2023. Collection method: clinical testing. Allele origin: germline.
Comment: The p.Q72L variant (also known as c.215A>T), located in coding exon 1 of the WNK2 gene, results from an A to T substitution at nucleotide position 215. The glutamine at codon 72 is replaced by leucine, an amino acid with dissimilar properties. This amino acid position is conserved. In addition, this alteration is predicted to be tolerated by in silico analysis. Based on the available evidence, the clinical significance of this variant remains unclear.

NM_006648.4(WNK2):c.215A>T (p.Gln72Leu)

Gene: WNK2 (WNK lysine deficient protein kinase 2; plus strand). Cytogenetic location: 9q22.31.
Variant type: single nucleotide variant.
Coding change: c.215A>T on transcript NM_006648.4 (MANE Select); coding-DNA position 215, A replaced by T.
Protein change: p.Gln72Leu; replaces glutamine 72 with leucine.
Molecular consequence: missense variant.
Genome position (GRCh38, 1-based): chr9:93,185,144, A>T. VCF-style: chr9-93185144-A-T. GRCh37 (hg19) VCF-style: chr9-95947426-A-T.
Other names: c.215A>T, p.Gln72Leu (NM_001282394.3); short protein forms Q72L.
Identifiers: ClinVar variation 3981917 (VCV003981917.1).
Genomic context (GRCh38, chr9:93,185,144, plus strand): 5'-AGGAGCCGCCGGGCTTGGAGGCAGCCGAGGCGCCGGGCCCGCAGCCCCCGCAGCCCCTGC[A>T]GCGCCGGGTGCTTCTGCTCTGCAAGACGCGCCGCCTCATCGCGGAGCGCGCCCGCGGACG-3'
Protein context (NP_006639.3, residues 62-82): APGPQPPQPL[Gln72Leu]RRVLLLCKTR